The following is an entry in ClinVar:

ClinVar aggregate classification (germline): Conflicting classifications of pathogenicity. Review status: criteria provided, conflicting classifications (1 of 4 stars). 7 submissions from 7 submitters: Uncertain significance (1); Likely benign (6). Last evaluated 2026-02-04.

Conditions:
Cardiovascular phenotype. Identifiers: MedGen CN230736.
Ehlers-Danlos syndrome (EDS). Identifiers: Orphanet 98249, MedGen C0013720, MONDO:0020066.

Allele frequency attached by ClinVar (database versions not stated): ExAC 0.00006; gnomAD 0.00009; gnomAD exomes 0.00009 and 0.00016; TOPMed 0.00011.
gnomAD v4.1: 241 of 1,549,888 alleles (0.016%); highest among the groups gnomAD compares: Non-Finnish European, 0.019%; no homozygotes.

Submissions (7):

Labcorp Genetics (formerly Invitae), Labcorp
Classification: Likely benign. Last evaluated: 2026-02-04. Review status: criteria provided, single submitter. Criteria: Invitae Variant Classification Sherloc (09022015). Collection method: clinical testing. Allele origin: germline.

CeGaT Center for Human Genetics Tuebingen
Classification: Likely benign. Last evaluated: 2025-12-01. Review status: criteria provided, single submitter. Criteria: CeGaT Center For Human Genetics Tuebingen Variant Classification Criteria Version 2. Collection method: clinical testing. Allele origin: germline. Affected: yes. Observed: 1 variant allele.
Comment: ZNF469: BP4, BP7

Mayo Clinic Laboratories, Mayo Clinic
Classification: Likely benign. Last evaluated: 2025-10-03. Review status: criteria provided, single submitter. Criteria: ACMG Guidelines, 2015. Collection method: clinical testing. Allele origin: germline. Observed: 2 variant alleles.
Comment: BS1, BP4, BP7

Women's Health and Genetics/Laboratory Corporation of America, LabCorp
Classification: Likely benign. Last evaluated: 2025-05-07. Review status: criteria provided, single submitter. Criteria: LabCorp Variant Classification Summary - May 2015. Collection method: clinical testing. Allele origin: germline.

Genome Diagnostics Laboratory, The Hospital for Sick Children
Classification: Uncertain significance for Ehlers-Danlos syndrome. Last evaluated: 2022-07-11. Review status: criteria provided, single submitter. Criteria: ACMG Guidelines, 2015. Collection method: clinical testing. Allele origin: germline.

Ambry Genetics
Classification: Likely benign for Cardiovascular phenotype. Last evaluated: 2020-09-01. Review status: criteria provided, single submitter. Criteria: Ambry Variant Classification Scheme 2023. Collection method: clinical testing. Allele origin: germline.

GeneDx
Classification: Likely benign. Last evaluated: 2019-10-03. Review status: criteria provided, single submitter. Criteria: GeneDx Variant Classification Process June 2021. Collection method: clinical testing. Allele origin: germline. Affected: yes.

NM_001367624.2(ZNF469):c.7005C>T (p.Ala2335=)

Gene: ZNF469 (zinc finger protein 469; plus strand). Cytogenetic location: 16q24.2.
Variant type: single nucleotide variant.
Coding change: c.7005C>T on transcript NM_001367624.2 (MANE Select); coding-DNA position 7005, C replaced by T.
Protein change: p.Ala2335=; no amino-acid change (alanine 2335 retained).
Molecular consequence: synonymous variant.
Genome position (GRCh38, 1-based): chr16:88,434,475, C>T. VCF-style: chr16-88434475-C-T. GRCh37 (hg19) VCF-style: chr16-88500883-C-T.
Other names: NM_001127464.1:c.6921C>T; NM_001127464.2:c.6921C>T; p.Ala2335=.
Identifiers: ClinVar variation 1188192 (VCV001188192.40), dbSNP rs576401425, ClinGen allele CA8225204.